The following is an entry in ClinVar:

NM_003906.5(MCM3AP):c.2779G>A (p.Val927Ile)

Gene: MCM3AP (minichromosome maintenance complex component 3 associated protein; minus strand). Cytogenetic location: 21q22.3.
Variant type: single nucleotide variant.
Coding change: c.2779G>A on transcript NM_003906.5 (MANE Select); coding-DNA position 2779, G replaced by A.
Protein change: p.Val927Ile; replaces valine 927 with isoleucine.
Molecular consequence: missense variant.
Genome position (GRCh38, 1-based): chr21:46,266,992, C>T on the plus strand (G>A on the coding strand, the complement: MCM3AP is on the minus strand). VCF-style: chr21-46266992-C-T. GRCh37 (hg19) VCF-style: chr21-47686906-C-T.
Other names: short protein forms V927I.
Identifiers: ClinVar variation 1435347 (VCV001435347.4), dbSNP rs1297074377, ClinGen allele CA410563529.

ClinVar aggregate classification (germline): Uncertain significance (1 of 4 stars; one submission).

Allele frequency attached by ClinVar (database versions not stated): gnomAD exomes below 0.00001 and 0.00002; gnomAD 0.00002 and 0.00003; TOPMed 0.00002.
gnomAD v4.1: 12 of 1,613,976 alleles (0.00074%); highest among the groups gnomAD compares: Middle Eastern, 0.033%; no homozygotes.

Submission:

Labcorp Genetics (formerly Invitae), Labcorp
Classification: Uncertain significance. Last evaluated: 2021-10-31. Review status: criteria provided, single submitter. Criteria: Invitae Variant Classification Sherloc (09022015). Collection method: clinical testing. Allele origin: germline.
Comment: In summary, the available evidence is currently insufficient to determine the role of this variant in disease. Therefore, it has been classified as a Variant of Uncertain Significance. Algorithms developed to predict the effect of missense changes on protein structure and function output the following: SIFT: "Deleterious"; PolyPhen-2: "Benign"; Align-GVGD: "Class C0". The isoleucine amino acid residue is found in multiple mammalian species, which suggests that this missense change does not adversely affect protein function. This variant has not been reported in the literature in individuals affected with MCM3AP-related conditions. This variant is present in population databases (no rsID available, gnomAD 0.007%). This sequence change replaces valine, which is neutral and non-polar, with isoleucine, which is neutral and non-polar, at codon 927 of the MCM3AP protein (p.Val927Ile).